The following is an entry in ClinVar:

ClinVar aggregate classification (germline): Pathogenic (1 of 4 stars; one submission).

Submission:

Labcorp Genetics (formerly Invitae), Labcorp
Classification: Pathogenic. Last evaluated: 2023-11-18. Review status: criteria provided, single submitter. Criteria: Invitae Variant Classification Sherloc (09022015). Collection method: clinical testing. Allele origin: germline.
Comment: This sequence change creates a premature translational stop signal (p.Arg1314Glufs*3) in the UNC80 gene. It is expected to result in an absent or disrupted protein product. Loss-of-function variants in UNC80 are known to be pathogenic (PMID: 26545877, 26708751, 26708753). This variant is not present in population databases (gnomAD no frequency). This variant has not been reported in the literature in individuals affected with UNC80-related conditions. For these reasons, this variant has been classified as Pathogenic.

Literature cited by the submitters: PubMed 26545877; PubMed 26708751; PubMed 26708753.

NM_001371986.1(UNC80):c.3933dup (p.Arg1312fs)

Gene: UNC80 (unc-80 subunit of NALCN channel complex; plus strand). Cytogenetic location: 2q34.
Variant type: Duplication.
Coding change: c.3933dup on transcript NM_001371986.1 (MANE Select); coding-DNA position 3933, one base duplicated (G; older notation c.3933dupG).
Protein change: p.Arg1312fs; shifts the reading frame from arginine 1312.
Molecular consequence: frameshift variant.
Genome position (GRCh38, 1-based): chr2:209,878,046, G duplicated; the last of 2 consecutive G bases (chr2:209,878,045-209,878,046); duplicating either gives the same sequence. VCF-style (leftmost placement, unchanged base first): chr2-209878044-A-AG. GRCh37 (hg19) VCF-style: chr2-210742768-A-AG.
Other names: c.3939dup, p.Arg1314fs (NM_032504.2); c.3924dup, p.Arg1309fs (NM_182587.4); short protein forms R1314fs, R1309fs, R1312fs.
Identifiers: ClinVar variation 2697124 (VCV002697124.3), dbSNP rs2471063455, ClinGen allele CA2697550324.